The following is an entry in ClinVar:

NM_001329943.3(KIAA0586):c.2059G>T (p.Gly687Cys)

Gene: KIAA0586 (KIAA0586; plus strand). Cytogenetic location: 14q23.1.
Variant type: single nucleotide variant.
Coding change: c.2059G>T on transcript NM_001329943.3 (MANE Select); coding-DNA position 2059, G replaced by T.
Protein change: p.Gly687Cys; replaces glycine 687 with cysteine.
Molecular consequence: missense variant.
Genome position (GRCh38, 1-based): chr14:58,461,160, G>T. VCF-style: chr14-58461160-G-T. GRCh37 (hg19) VCF-style: chr14-58927878-G-T.
Other names: c.2218G>T, p.Gly740Cys (NM_001244189.2); c.2014G>T, p.Gly672Cys (NM_001244190.2); c.1804G>T, p.Gly602Cys (NM_001244191.2, NM_001329945.2, NM_001364700.1 and 1 more transcripts); c.1927G>T, p.Gly643Cys (NM_001244192.2); c.1639G>T, p.Gly547Cys (NM_001244193.2); c.2059G>T, p.Gly687Cys (NM_001329944.2, NM_001329946.2, NM_001329947.2); c.1831G>T, p.Gly611Cys (NM_014749.5); short protein forms G602C, G672C, G643C, G687C, G740C, G547C, G611C.
Identifiers: ClinVar variation 2144171 (VCV002144171.3), dbSNP rs2543157089, ClinGen allele CA389873259.

ClinVar aggregate classification (germline): Uncertain significance (1 of 4 stars; one submission).

Conditions:
Joubert syndrome 23 (JBTS23). Identifiers: Orphanet 475, MedGen C4084822, MONDO:0014664, OMIM 616490.
Short-rib thoracic dysplasia 14 with polydactyly (SRTD14). Identifiers: Orphanet 397715, MedGen C4225286, MONDO:0014688, OMIM 616546.

Submission:

Labcorp Genetics (formerly Invitae), Labcorp
Classification: Uncertain significance for Joubert syndrome 23; Short-rib thoracic dysplasia 14 with polydactyly. Last evaluated: 2022-05-20. Review status: criteria provided, single submitter. Criteria: Invitae Variant Classification Sherloc (09022015). Collection method: clinical testing. Allele origin: germline.
Comment: In summary, the available evidence is currently insufficient to determine the role of this variant in disease. Therefore, it has been classified as a Variant of Uncertain Significance. Variants that disrupt the consensus splice site are a relatively common cause of aberrant splicing (PMID: 17576681, 9536098). Algorithms developed to predict the effect of sequence changes on RNA splicing suggest that this variant may disrupt the consensus splice site. Algorithms developed to predict the effect of missense changes on protein structure and function are either unavailable or do not agree on the potential impact of this missense change (SIFT: "Deleterious"; PolyPhen-2: "Probably Damaging"; Align-GVGD: "Class C0"). This variant has not been reported in the literature in individuals affected with KIAA0586-related conditions. This variant is not present in population databases (gnomAD no frequency). This sequence change replaces glycine, which is neutral and non-polar, with cysteine, which is neutral and slightly polar, at codon 740 of the KIAA0586 protein (p.Gly740Cys). This variant also falls at the last nucleotide of exon 16, which is part of the consensus splice site for this exon.

Literature cited by the submitters: PubMed 17576681; PubMed 9536098.